The following is an entry in ClinVar:

ClinVar aggregate classification (germline): Likely benign (1 of 4 stars; one submission).

Submission:

CeGaT Center for Human Genetics Tuebingen
Classification: Likely benign. Last evaluated: 2026-04-01. Review status: criteria provided, single submitter. Criteria: CeGaT Center For Human Genetics Tuebingen Variant Classification Criteria Version 2. Collection method: clinical testing. Allele origin: germline. Affected: yes. Observed: 1 variant allele.
Comment: TCHH: BP4, BP7

NM_007113.4(TCHH):c.3210G>A (p.Thr1070=)

Gene: TCHH (trichohyalin; minus strand). Cytogenetic location: 1q21.3.
Variant type: single nucleotide variant.
Coding change: c.3210G>A on transcript NM_007113.4 (MANE Select); coding-DNA position 3210, G replaced by A.
Protein change: p.Thr1070=; no amino-acid change (threonine 1070 retained).
Molecular consequence: synonymous variant.
Genome position (GRCh38, 1-based): chr1:152,110,007, C>T on the plus strand (G>A on the coding strand, the complement: TCHH is on the minus strand). VCF-style: chr1-152110007-C-T. GRCh37 (hg19) VCF-style: chr1-152082483-C-T.
Identifiers: ClinVar variation 4872197 (VCV004872197.2).